The following is an entry in ClinVar:

ClinVar aggregate classification (germline): Pathogenic (1 of 4 stars; one submission).

Conditions:
Hereditary spastic paraplegia 15 (SPG15). Also called: SPASTIC PARAPLEGIA 15, AUTOSOMAL RECESSIVE; KJELLIN SYNDROME; SPASTIC PARAPLEGIA AND RETINAL DEGENERATION. Identifiers: Orphanet 100996, MedGen C1849128, MONDO:0010044, OMIM 270700.

Submission:

Myriad Genetics, Inc.
Classification: Pathogenic for Hereditary spastic paraplegia 15. Last evaluated: 2023-08-31. Review status: criteria provided, single submitter. Criteria: Myriad Autosomal Dominant, Autosomal Recessive and X-Linked Classification Criteria (2023). Collection method: clinical testing. Allele origin: unknown.
Comment: NM_015346.3(ZFYVE26):c.6495del1ins11(F2165Lfs*10) is expected to be pathogenic in the context of spastic paraplegia type 15. This variant is predicted to lead to an abnormal or absent protein product due to the creation of a premature termination codon in ZFYVE26, a gene where loss-of-function variants are known to be pathogenic. Please note: this variant was assessed in the context of healthy population screening.

NM_015346.4(ZFYVE26):c.6495delinsATACACATCTG (p.Phe2165fs)

Gene: ZFYVE26 (zinc finger FYVE-type containing 26; minus strand). Cytogenetic location: 14q24.1.
Variant type: Indel.
Coding change: c.6495delinsATACACATCTG on transcript NM_015346.4 (MANE Select); coding-DNA position 6495, C replaced by ATACACATCTG.
Protein change: p.Phe2165fs; shifts the reading frame from phenylalanine 2165.
Molecular consequence: frameshift variant.
Genome position (GRCh38, 1-based): chr14:67,761,459, G replaced by CAGATGTGTAT on the plus strand (C replaced by ATACACATCTG on the coding strand, the reverse complement: ZFYVE26 is on the minus strand). VCF-style: chr14-67761459-G-CAGATGTGTAT. GRCh37 (hg19) VCF-style: chr14-68228176-G-CAGATGTGTAT.
Other names: short protein forms F2165fs.
Identifiers: ClinVar variation 5011500 (VCV005011500.1).
Genomic context (GRCh38, chr14:67,761,459, plus strand): 5'-GCAGCTGTGCCTCACGTAGAAGCTGATGATGGCCAGGTTGGTGCTATAGTTGTGCAGGTA[G>CAGATGTGTAT]AAGAGGCATTCCTGGTAGTAGGTGTTGTTCATGATTTTCCCTTCAGGAATCACTGCCAGA-3'